The following is an entry in ClinVar:

NM_173628.4(DNAH17):c.12627G>A (p.Pro4209=)

Gene: DNAH17 (dynein axonemal heavy chain 17; minus strand). Cytogenetic location: 17q25.3.
Variant type: single nucleotide variant.
Coding change: c.12627G>A on transcript NM_173628.4 (MANE Select); coding-DNA position 12627, G replaced by A.
Protein change: p.Pro4209=; no amino-acid change (proline 4209 retained).
Molecular consequence: synonymous variant.
Genome position (GRCh38, 1-based): chr17:78,427,070, C>T on the plus strand (G>A on the coding strand, the complement: DNAH17 is on the minus strand). VCF-style: chr17-78427070-C-T. GRCh37 (hg19) VCF-style: chr17-76423151-C-T.
Identifiers: ClinVar variation 402673 (VCV000402673.8), dbSNP rs3209030, ClinGen allele CA8799943.

ClinVar aggregate classification (germline): Benign. Review status: criteria provided, multiple submitters, no conflicts (2 of 4 stars). 4 submissions from 4 submitters: Benign (3). 1 of the submissions does not count toward it. Last evaluated 2018-08-21.

Conditions:
DNAH17-related disorder. Also called: DNAH17-related condition.

Allele frequency attached by ClinVar (database versions not stated): gnomAD exomes 0.08217; 1000 Genomes Project 0.08307; 1000 Genomes Project 30x 0.08370; gnomAD 0.08659 and 0.08739; TOPMed 0.08694; ESP Exome Variant Server 0.08760; ExAC 0.12407.
gnomAD v4.1: 144,524 of 1,591,330 alleles (9.1%); highest among the groups gnomAD compares: Middle Eastern, 16%; 7,002 homozygotes.

Submissions (4):

GeneDx
Classification: Benign. Last evaluated: 2018-08-21. Review status: criteria provided, single submitter. Criteria: GeneDx Variant Classification Process June 2021. Collection method: clinical testing. Allele origin: germline. Affected: yes.

Laboratory for Molecular Medicine, Mass General Brigham Personalized Medicine
Classification: Benign. Last evaluated: 2016-03-29. Review status: criteria provided, single submitter. Criteria: LMM Criteria. Collection method: clinical testing. Allele origin: germline.
Comment: Variant identified in a genome or exome case(s) and assessed due to predicted null impact of the variant or pathogenic assertions in the literature or databases. Disclaimer: This variant has not undergone full assessment. The following are preliminary notes: Frequency

Breakthrough Genomics
Classification: Benign. Review status: criteria provided, single submitter. Criteria: ACMG Guidelines, 2015. Collection method: not provided. Allele origin: germline. Inheritance: Autosomal recessive inheritance. Affected: yes.

PreventionGenetics, part of Exact Sciences
Classification: Benign for DNAH17-related condition. Last evaluated: 2019-11-20. Review status: no assertion criteria provided. Collection method: clinical testing. Allele origin: germline. Not counted in ClinVar's aggregate classification.
Comment: This variant is classified as benign based on ACMG/AMP sequence variant interpretation guidelines (Richards et al. 2015 PMID: 25741868, with internal and published modifications).